The following is an entry in ClinVar:

NM_000020.3(ACVRL1):c.470T>C (p.Leu157Pro)

Gene: ACVRL1 (activin A receptor like type 1; plus strand). Cytogenetic location: 12q13.13.
Variant type: single nucleotide variant.
Coding change: c.470T>C on transcript NM_000020.3 (MANE Select); coding-DNA position 470, T replaced by C.
Protein change: p.Leu157Pro; replaces leucine 157 with proline.
Molecular consequence: missense variant.
Genome position (GRCh38, 1-based): chr12:51,913,715, T>C. VCF-style: chr12-51913715-T-C. GRCh37 (hg19) VCF-style: chr12-52307499-T-C.
Other names: c.470T>C, p.Leu157Pro (NM_001077401.2); short protein forms L157P.
Identifiers: ClinVar variation 464764 (VCV000464764.8), dbSNP rs1371249289, ClinGen allele CA384899052.

ClinVar aggregate classification (germline): Uncertain significance (1 of 4 stars; one submission).

Conditions:
Telangiectasia, hereditary hemorrhagic, type 2 (HHT2). Also called: ACVRL1-Related Hereditary Hemorrhagic Telangiectasia; Telangiectasia, hereditary hemorrhagic, type II. Identifiers: Orphanet 774, MedGen C1838163, MONDO:0010880, OMIM 600376. Disease mechanism: loss of function.

Allele frequency attached by ClinVar (database versions not stated): gnomAD exomes below 0.00001 and 0.00002.
gnomAD v4.1: 6 of 1,612,212 alleles (0.00037%); highest among the groups gnomAD compares: East Asian, 0.0067%; no homozygotes.

Submission:

Labcorp Genetics (formerly Invitae), Labcorp
Classification: Uncertain significance for Telangiectasia, hereditary hemorrhagic, type 2. Last evaluated: 2017-05-15. Review status: criteria provided, single submitter. Criteria: Invitae Variant Classification Sherloc (09022015). Collection method: clinical testing. Allele origin: germline.
Comment: In summary, this variant is a novel missense change with uncertain impact on protein function. It has been classified as a Variant of Uncertain Significance. Algorithms developed to predict the effect of missense changes on protein structure and function do not agree on the potential impact of this missense change (SIFT: "Tolerated"; PolyPhen-2: "Possibly Damaging"; Align-GVGD: "Class C0"). This variant is not present in population databases (ExAC no frequency) and has not been reported in the literature in individuals with a ACVRL1-related disease. This sequence change replaces leucine with proline at codon 157 of the ACVRL1 protein (p.Leu157Pro). The leucine residue is highly conserved and there is a moderate physicochemical difference between leucine and proline.